The following is an entry in ClinVar:

ClinVar aggregate classification (germline): Uncertain significance (1 of 4 stars; one submission).

Conditions:
Autism, susceptibility to, 17. Also called: Autism susceptibility 17. Identifiers: MedGen C3150693, MONDO:0013265, OMIM 613436.

Submission:

3billion
Classification: Uncertain significance for Autism, susceptibility to, 17. Last evaluated: 2024-11-27. Review status: criteria provided, single submitter. Criteria: ACMG Guidelines, 2015. Collection method: clinical testing. Allele origin: germline. Affected: yes.
Comment: The variant is not observed in the gnomAD v4.1.0 dataset. Predicted Consequence/Location: Intron variant In silico tools predict the variant to alter splicing and produce an abnormal transcript [SpliceAI: 0.24 (>=0.2, moderate evidence for spliceogenicity)]. Therefore, this variant is classified as VUS according to the recommendation of ACMG/AMP guideline.

NM_012309.5(SHANK2):c.592+1232G>A

Gene: SHANK2 (SH3 and multiple ankyrin repeat domains 2; minus strand). Cytogenetic location: 11q13.4.
Variant type: single nucleotide variant.
Coding change: c.592+1232G>A on transcript NM_012309.5 (MANE Select); 1232 bases into the intron after coding-DNA position 592, G replaced by A.
Molecular consequence: intron variant.
Genome position (GRCh38, 1-based): chr11:71,108,709, C>T on the plus strand (G>A on the coding strand, the complement: SHANK2 is on the minus strand). VCF-style: chr11-71108709-C-T. GRCh37 (hg19) VCF-style: chr11-70819755-C-T.
Other names: c.592+1232G>A (NM_001441030.1, NM_001441032.1, NM_001441037.1 and 12 more transcripts); c.520+1232G>A (NM_001441038.1).
Identifiers: ClinVar variation 4293694 (VCV004293694.1).
Genomic context (GRCh38, chr11:71,108,709, plus strand): 5'-GCCTCATGGAGGATCGGCGCAGGGCCTGGGGCTGCTCAGCTGTAGCCAGGCACTCACCTT[C>T]CTTCTTTCCCCCTATCCCCGGGGGCACTCTGTCCCCTCTGAGCCTCGCTCATGCAGTCCT-3'